The following is an entry in ClinVar:

NM_144643.4(SCLT1):c.1059G>C (p.Glu353Asp)

Gene: SCLT1 (sodium channel and clathrin linker 1; minus strand). Cytogenetic location: 4q28.2.
Variant type: single nucleotide variant.
Coding change: c.1059G>C on transcript NM_144643.4 (MANE Select); coding-DNA position 1059, G replaced by C.
Protein change: p.Glu353Asp; replaces glutamic acid 353 with aspartic acid.
Molecular consequence: missense variant.
Genome position (GRCh38, 1-based): chr4:128,957,113, C>G on the plus strand (G>C on the coding strand, the complement: SCLT1 is on the minus strand). VCF-style: chr4-128957113-C-G. GRCh37 (hg19) VCF-style: chr4-129878268-C-G.
Other names: c.1059G>C (NM_144643.3); short protein forms E353D.
Identifiers: ClinVar variation 1522782 (VCV001522782.8), dbSNP rs1052849966, ClinGen allele CA105729660.

ClinVar aggregate classification (germline): Uncertain significance. Review status: criteria provided, single submitter (1 of 4 stars). 2 submissions from 2 submitters: Uncertain significance (1). 1 of the submissions does not count toward it. Last evaluated 2021-04-02.

Conditions:
SCLT1-related disorder. Also called: SCLT1-related condition.

Allele frequency attached by ClinVar (database versions not stated): gnomAD exomes below 0.00001; gnomAD 0.00001; TOPMed 0.00002.
gnomAD v4.1: 3 of 1,579,278 alleles (0.00019%); highest among the groups gnomAD compares: African/African-American, 0.0041%; no homozygotes.

Submissions (2):

Labcorp Genetics (formerly Invitae), Labcorp
Classification: Uncertain significance. Last evaluated: 2021-04-02. Review status: criteria provided, single submitter. Criteria: Invitae Variant Classification Sherloc (09022015). Collection method: clinical testing. Allele origin: germline.
Comment: This variant has not been reported in the literature in individuals with SCLT1-related conditions. Algorithms developed to predict the effect of missense changes on protein structure and function (SIFT, PolyPhen-2, Align-GVGD) all suggest that this variant is likely to be tolerated, but these predictions have not been confirmed by published functional studies and their clinical significance is uncertain. In summary, the available evidence is currently insufficient to determine the role of this variant in disease. Therefore, it has been classified as a Variant of Uncertain Significance. This variant is not present in population databases (ExAC no frequency). This sequence change replaces glutamic acid with aspartic acid at codon 353 of the SCLT1 protein (p.Glu353Asp). The glutamic acid residue is moderately conserved and there is a small physicochemical difference between glutamic acid and aspartic acid.

PreventionGenetics, part of Exact Sciences
Classification: Uncertain significance for SCLT1-related condition. Last evaluated: 2024-08-05. Review status: no assertion criteria provided. Collection method: clinical testing. Allele origin: germline. Not counted in ClinVar's aggregate classification.
Comment: The SCLT1 c.1059G>C variant is predicted to result in the amino acid substitution p.Glu353Asp. To our knowledge, this variant has not been reported in the literature or in a large population database, indicating this variant is rare. At this time, the clinical significance of this variant is uncertain due to the absence of conclusive functional and genetic evidence.